The following is an entry in ClinVar:

ClinVar aggregate classification (germline): Uncertain significance. Review status: criteria provided, multiple submitters, no conflicts (2 of 4 stars). 3 submissions from 3 submitters: Uncertain significance (3). Last evaluated 2025-12-02.

Conditions:
Inborn genetic diseases. Identifiers: MedGen C0950123, MeSH D030342.
Neuronopathy, distal hereditary motor, type 7A. Also called: HARPER-YOUNG MYOPATHY; HMN VIIA; SPINAL MUSCULAR ATROPHY, DISTAL, WITH VOCAL CORD PARALYSIS; Neuronopathy, distal hereditary motor, type viia; NEURONOPATHY, DISTAL HEREDITARY MOTOR, HARDING TYPE VIIA; NEUROPATHY, DISTAL HEREDITARY MOTOR, HARDING TYPE VIIA. Identifiers: Orphanet 139589, MedGen C1834703, MONDO:0008024, OMIM 158580.
Congenital myasthenic syndrome 20. Also called: Myasthenic syndrome, congenital, 20, presynaptic. Identifiers: MedGen C4310694, MONDO:0014939, OMIM 617143.

Submissions (3):

GeneDx
Classification: Uncertain significance. Last evaluated: 2025-12-02. Review status: criteria provided, single submitter. Criteria: GeneDx Variant Classification Process June 2021. Collection method: clinical testing. Allele origin: germline.
Comment: Not observed at significant frequency in large population cohorts (gnomAD); Alters the last nucleotide of the exon and is predicted to damage the splice donor site but the effect on protein function is unclear; In silico analysis supports that this missense variant has a deleterious effect on protein structure/function; Has not been previously published as pathogenic or benign to our knowledge

Labcorp Genetics (formerly Invitae), Labcorp
Classification: Uncertain significance for Neuronopathy, distal hereditary motor, type 7A; Congenital myasthenic syndrome 20. Last evaluated: 2025-09-10. Review status: criteria provided, single submitter. Criteria: Invitae Variant Classification Sherloc (09022015). Collection method: clinical testing. Allele origin: germline.
Comment: This sequence change replaces glycine, which is neutral and non-polar, with serine, which is neutral and polar, at codon 98 of the SLC5A7 protein (p.Gly98Ser). This variant also falls at the last nucleotide of exon 3, which is part of the consensus splice site for this exon. This variant is not present in population databases (gnomAD no frequency). This variant has not been reported in the literature in individuals affected with SLC5A7-related conditions. ClinVar contains an entry for this variant (Variation ID: 1797796). An algorithm developed to predict the effect of missense changes on protein structure and function (PolyPhen-2) suggests that this variant is likely to be disruptive. Variants that disrupt the consensus splice site are a relatively common cause of aberrant splicing (PMID: 17576681, 9536098). Algorithms developed to predict the effect of sequence changes on RNA splicing suggest that this variant may disrupt the consensus splice site. In summary, the available evidence is currently insufficient to determine the role of this variant in disease. Therefore, it has been classified as a Variant of Uncertain Significance.

Ambry Genetics
Classification: Uncertain significance for Inborn genetic diseases. Last evaluated: 2023-12-21. Review status: criteria provided, single submitter. Criteria: Ambry Variant Classification Scheme 2023. Collection method: clinical testing. Allele origin: germline.

Literature cited by the submitters: PubMed 17576681 (cited by Labcorp Genetics (formerly Invitae), Labcorp); PubMed 9536098 (cited by Labcorp Genetics (formerly Invitae), Labcorp).

NM_021815.5(SLC5A7):c.292G>A (p.Gly98Ser)

Gene: SLC5A7 (solute carrier family 5 member 7; plus strand). Cytogenetic location: 2q12.3.
Variant type: single nucleotide variant.
Coding change: c.292G>A on transcript NM_021815.5 (MANE Select); coding-DNA position 292, G replaced by A.
Protein change: p.Gly98Ser; replaces glycine 98 with serine.
Molecular consequence: missense variant. On other transcripts: 5 prime UTR variant (2).
Genome position (GRCh38, 1-based): chr2:107,992,219, G>A. VCF-style: chr2-107992219-G-A. GRCh37 (hg19) VCF-style: chr2-108608675-G-A.
Other names: c.292G>A, p.Gly98Ser (NM_001305005.3); c.-24G>A (NM_001305006.3); c.-413G>A (NM_001305007.3); short protein forms G98S.
Identifiers: ClinVar variation 1797796 (VCV001797796.5), dbSNP rs1677478082, ClinGen allele CA348020642.
Genomic context (GRCh38, chr2:107,992,219, plus strand): 5'-CCAGGTTATGGCCTAGCTTGGGCTCAGGCACCAATTGGATATTCTCTTAGTCTGATTTTA[G>A]GTAAGTGAAAGTGCAAATCTCAGTGACTCACTCAGTAAAGTATACAGAACAAGAGTATAA-3'
Protein context (NP_068587.1, residues 88-108): PIGYSLSLIL[Gly98Ser]GLFFAKPMRS